The following is an entry in ClinVar:

ClinVar aggregate classification (germline): Pathogenic (1 of 4 stars; one submission).

Submission:

Labcorp Genetics (formerly Invitae), Labcorp
Classification: Pathogenic. Last evaluated: 2025-03-16. Review status: criteria provided, single submitter. Criteria: Invitae Variant Classification Sherloc (09022015). Collection method: clinical testing. Allele origin: germline.
Comment: This sequence change creates a premature translational stop signal (p.Pro897Leufs*10) in the CENPJ gene. It is expected to result in an absent or disrupted protein product. Loss-of-function variants in CENPJ are known to be pathogenic (PMID: 15793586, 16900296, 20522431). This variant is present in population databases (rs751929468, gnomAD 0.007%). This variant has not been reported in the literature in individuals affected with CENPJ-related conditions. ClinVar contains an entry for this variant (Variation ID: 961232). For these reasons, this variant has been classified as Pathogenic.

Literature cited by the submitters: PubMed 15793586; PubMed 16900296; PubMed 20522431.

NM_018451.5(CPAP):c.2690del (p.Pro897fs)

Gene: CPAP (centrosome assembly and centriole elongation protein; minus strand). Cytogenetic location: 13q12.13.
Variant type: Deletion.
Coding change: c.2690del on transcript NM_018451.5 (MANE Select); coding-DNA position 2690, one base deleted (C; older notation c.2690delC).
Protein change: p.Pro897fs; shifts the reading frame from proline 897.
Molecular consequence: frameshift variant. On other transcripts: non-coding transcript variant (2).
Genome position (GRCh38, 1-based): chr13:24,905,348, G deleted on the plus strand (C on the coding strand, the reverse complement: CPAP is on the minus strand); the first of 2 consecutive G bases (chr13:24,905,348-24,905,349); deleting either gives the same sequence. VCF-style (leftmost placement, unchanged base first): chr13-24905347-AG-A. GRCh37 (hg19) VCF-style: chr13-25479485-AG-A.
Other names: short protein forms P897fs.
Identifiers: ClinVar variation 961232 (VCV000961232.8), dbSNP rs751929468, ClinGen allele CA6919552.